The following is an entry in ClinVar:

ClinVar aggregate classification (germline): Pathogenic. Review status: criteria provided, multiple submitters, no conflicts (2 of 4 stars). 5 submissions from 5 submitters: Pathogenic (5). Last evaluated 2025-12-10.

Conditions:
Hereditary cancer-predisposing syndrome. Also called: Hereditary neoplastic syndrome; Tumor predisposition; Neoplastic Syndromes, Hereditary; Hereditary Cancer Syndrome. Identifiers: Orphanet 140162, MedGen C0027672, MeSH D009386, MONDO:0015356.
Neurofibromatosis, type 1 (NF1). Also called: Neurofibromatosis, type I; NEUROFIBROMATOSIS, TYPE I, SOMATIC; Peripheral type neurofibromatosis; VON RECKLINGHAUSEN DISEASE. Identifiers: Orphanet 636, MedGen C0027831, MONDO:0018975, OMIM 162200. Disease mechanism: loss of function.

Submissions (5):

Labcorp Genetics (formerly Invitae), Labcorp
Classification: Pathogenic for Neurofibromatosis, type 1. Last evaluated: 2025-12-10. Review status: criteria provided, single submitter. Criteria: Invitae Variant Classification Sherloc (09022015). Collection method: clinical testing. Allele origin: germline.
Comment: This sequence change creates a premature translational stop signal (p.Ser2566*) in the NF1 gene. It is expected to result in an absent or disrupted protein product. Loss-of-function variants in NF1 are known to be pathogenic (PMID: 10712197, 23913538). This variant is not present in population databases (gnomAD no frequency). This premature translational stop signal has been observed in individual(s) with neurofibromatosis type 1 (PMID: 16944272). ClinVar contains an entry for this variant (Variation ID: 428968). For these reasons, this variant has been classified as Pathogenic.

Greenwood Genetic Center Diagnostic Laboratories, Greenwood Genetic Center
Classification: Pathogenic for Neurofibromatosis, type 1. Last evaluated: 2023-11-21. Review status: criteria provided, single submitter. Criteria: ACMG Guidelines, 2015. Collection method: clinical testing. Allele origin: germline. Affected: yes.
Comment: PVS1, PS4_Supporting, PM2

Genome-Nilou Lab
Classification: Pathogenic for Neurofibromatosis, type 1. Last evaluated: 2022-03-15. Review status: criteria provided, single submitter. Criteria: ACMG Guidelines, 2015. Collection method: clinical testing. Allele origin: germline. Affected: no.

Center for Human Genetics, Inc
Classification: Pathogenic for Neurofibromatosis, type 1. Last evaluated: 2016-11-01. Review status: criteria provided, single submitter. Criteria: ACMG Guidelines, 2015. Collection method: clinical testing. Allele origin: germline. Affected: yes.

Ambry Genetics
Classification: Pathogenic for Hereditary cancer-predisposing syndrome. Last evaluated: 2015-07-02. Review status: criteria provided, single submitter. Criteria: Ambry Autosomal Dominant and X-Linked criteria (10/2015). Collection method: clinical testing. Allele origin: germline. Observed: 1 variant allele.
Comment: The p.S2587* pathogenic mutation (also known as c.7760C>G,c.7697C>G andp.S2566*) located in coding exon 53 of the NF1 gene, results from a C to G substitution at nucleotide position 7760. This changes the amino acid from a serine to a stop codon within coding exon 53. In addition to the clinical data presented in the literature, since premature stop codons are typically deleterious in nature, this alteration is interpreted as a disease-causing mutation (ACMG Recommendations for Standards for Interpretation and Reporting of Sequence Variations. Revision 2007. Genet Med. 2008;10:294).

Literature cited by the submitters: PubMed 10712197 (cited by Labcorp Genetics (formerly Invitae), Labcorp); PubMed 23913538 (cited by Labcorp Genetics (formerly Invitae), Labcorp); PubMed 16944272 (cited by Labcorp Genetics (formerly Invitae), Labcorp and Ambry Genetics).

NM_001042492.3(NF1):c.7760C>G (p.Ser2587Ter)

Gene: NF1 (neurofibromin 1; plus strand). Cytogenetic location: 17q11.2.
Variant type: single nucleotide variant.
Coding change: c.7760C>G on transcript NM_001042492.3 (MANE Select); coding-DNA position 7760, C replaced by G.
Protein change: p.Ser2587Ter; replaces serine 2587 with a stop codon.
Molecular consequence: nonsense.
Genome position (GRCh38, 1-based): chr17:31,356,981, C>G. VCF-style: chr17-31356981-C-G. GRCh37 (hg19) VCF-style: chr17-29683999-C-G.
Other names: c.7697C>G, p.Ser2566Ter (NM_000267.4); short protein forms S2566*, S2587*.
Identifiers: ClinVar variation 428968 (VCV000428968.6), dbSNP rs1131691090, ClinGen allele CA399018374.